The following is an entry in ClinVar:

NM_001128225.3(SLC39A13):c.*9G>A

Gene: SLC39A13 (solute carrier family 39 member 13; plus strand). Cytogenetic location: 11p11.2.
Variant type: single nucleotide variant.
Coding change: c.*9G>A on transcript NM_001128225.3 (MANE Select); 9 bases downstream of the stop codon, G replaced by A.
Molecular consequence: 3 prime UTR variant. On other transcripts: non-coding transcript variant (1).
Genome position (GRCh38, 1-based): chr11:47,415,372, G>A. VCF-style: chr11-47415372-G-A. GRCh37 (hg19) VCF-style: chr11-47436923-G-A.
Other names: c.*122G>A (NM_001330245.2, NM_001441275.1, NM_001441276.1); c.*9G>A (NM_001441271.1, NM_001441272.1, NM_001441273.1 and 2 more transcripts).
Identifiers: ClinVar variation 4689510 (VCV004689510.1).
Genomic context (GRCh38, chr11:47,415,372, plus strand): 5'-GCTCTGTGCGGGCATCGTGGTAATGGTGCTGTTCTCGCTCTTCGTGGATTAACTTTCCCT[G>A]ATGCCGACGCCCCTGCCCCCTGCAGCAATAAGATGCTCGGATTCACTCTGTGACCGCATA-3'

ClinVar aggregate classification (germline): Uncertain significance (1 of 4 stars; one submission).

Submission:

Women's Health and Genetics/Laboratory Corporation of America, LabCorp
Classification: Uncertain significance. Last evaluated: 2026-01-27. Review status: criteria provided, single submitter. Criteria: LabCorp Variant Classification Summary - May 2015. Collection method: clinical testing. Allele origin: germline.
Comment: Variant summary: SLC39A13 c.*9G>A is located in the untranslated mRNA region downstream of the termination codon. The variant was absent in 251292 control chromosomes. The available data on variant occurrences in the general population are insufficient to allow any conclusion about variant significance. To our knowledge, no occurrence of c.*9G>A in individuals affected with SLC39A13-related conditions and no experimental evidence demonstrating its impact on protein function have been reported. No submitters have cited clinical-significance assessments for this variant to ClinVar. Based on the evidence outlined above, the variant was classified as uncertain significance.